The following is an entry in ClinVar:

NM_007110.5(TEP1):c.4865G>A (p.Arg1622Gln)

Gene: TEP1 (telomerase associated protein 1; minus strand). Cytogenetic location: 14q11.2.
Variant type: single nucleotide variant.
Coding change: c.4865G>A on transcript NM_007110.5 (MANE Select); coding-DNA position 4865, G replaced by A.
Protein change: p.Arg1622Gln; replaces arginine 1622 with glutamine.
Molecular consequence: missense variant.
Genome position (GRCh38, 1-based): chr14:20,380,373, C>T on the plus strand (G>A on the coding strand, the complement: TEP1 is on the minus strand). VCF-style: chr14-20380373-C-T. GRCh37 (hg19) VCF-style: chr14-20848532-C-T.
Other names: c.4541G>A, p.Arg1514Gln (NM_001319035.2); c.4865G>A (NM_007110.4); short protein forms R1514Q, R1622Q.
Identifiers: ClinVar variation 3898083 (VCV003898083.8).

ClinVar aggregate classification (germline): Likely benign. Review status: criteria provided, multiple submitters, no conflicts (2 of 4 stars). 2 submissions from 2 submitters: Likely benign (2). Last evaluated 2025-08-01.

gnomAD v4.1: 6,259 of 1,614,070 alleles (0.39%); highest among the groups gnomAD compares: African/African-American, 0.72%; 17 homozygotes.

Submissions (2):

Ambry Genetics
Classification: Likely benign. Last evaluated: 2025-08-01. Review status: criteria provided, single submitter. Criteria: Ambry Variant Classification Scheme 2023. Collection method: clinical testing. Allele origin: germline.

CeGaT Center for Human Genetics Tuebingen
Classification: Likely benign. Last evaluated: 2025-04-01. Review status: criteria provided, single submitter. Criteria: CeGaT Center For Human Genetics Tuebingen Variant Classification Criteria Version 2. Collection method: clinical testing. Allele origin: germline. Affected: yes. Observed: 1 variant allele.
Comment: TEP1: BP4, BS2